The following is an entry in ClinVar:

NM_004369.4(COL6A3):c.7570C>T (p.Pro2524Ser)

Gene: COL6A3 (collagen type VI alpha 3 chain; minus strand). Cytogenetic location: 2q37.3.
Variant type: single nucleotide variant.
Coding change: c.7570C>T on transcript NM_004369.4 (MANE Select); coding-DNA position 7570, C replaced by T.
Protein change: p.Pro2524Ser; replaces proline 2524 with serine.
Molecular consequence: missense variant.
Genome position (GRCh38, 1-based): chr2:237,344,448, G>A on the plus strand (C>T on the coding strand, the complement: COL6A3 is on the minus strand). VCF-style: chr2-237344448-G-A. GRCh37 (hg19) VCF-style: chr2-238253091-G-A.
Other names: c.5749C>T, p.Pro1917Ser (NM_057166.5); c.6952C>T, p.Pro2318Ser (NM_057167.4); short protein forms P1917S, P2318S, P2524S.
Identifiers: ClinVar variation 4694161 (VCV004694161.1).

ClinVar aggregate classification (germline): Uncertain significance (1 of 4 stars; one submission).

Conditions:
Bethlem myopathy 1A. Also called: MYOPATHY, BENIGN CONGENITAL, WITH CONTRACTURES; Bethlem myopathy 1; Bethlem Muscular Dystrophy. Identifiers: Orphanet 610, MedGen CN029274, MONDO:0024530, OMIM 158810.

Submission:

Labcorp Genetics (formerly Invitae), Labcorp
Classification: Uncertain significance for Bethlem myopathy 1A. Last evaluated: 2025-06-19. Review status: criteria provided, single submitter. Criteria: Invitae Variant Classification Sherloc (09022015). Collection method: clinical testing. Allele origin: germline.
Comment: This sequence change replaces proline, which is neutral and non-polar, with serine, which is neutral and polar, at codon 2524 of the COL6A3 protein (p.Pro2524Ser). This variant is not present in population databases (gnomAD no frequency). This variant has not been reported in the literature in individuals affected with COL6A3-related conditions. Invitae Evidence Modeling of protein sequence and biophysical properties (such as structural, functional, and spatial information, amino acid conservation, physicochemical variation, residue mobility, and thermodynamic stability) indicates that this missense variant is not expected to disrupt COL6A3 protein function with a negative predictive value of 80%. In summary, the available evidence is currently insufficient to determine the role of this variant in disease. Therefore, it has been classified as a Variant of Uncertain Significance.